The following is an entry in ClinVar:

ClinVar aggregate classification (germline): Uncertain significance. Review status: criteria provided, multiple submitters, no conflicts (2 of 4 stars). 4 submissions from 4 submitters: Uncertain significance (3). 1 of the submissions does not count toward it. Last evaluated 2024-07-19.

Conditions:
UNC80-related disorder. Also called: UNC80-related condition.

Allele frequency attached by ClinVar (database versions not stated): gnomAD exomes below 0.00001; TOPMed 0.00001; gnomAD 0.00002; ExAC 0.00005.
gnomAD v4.1: 9 of 1,550,820 alleles (0.00058%); highest among the groups gnomAD compares: African/African-American, 0.0041%; no homozygotes.

Submissions (4):

Greenwood Genetic Center Diagnostic Laboratories, Greenwood Genetic Center
Classification: Uncertain significance. Last evaluated: 2024-07-19. Review status: criteria provided, single submitter. Criteria: ACMG Guidelines, 2015. Collection method: clinical testing. Allele origin: germline. Affected: yes.
Comment: PM2, PP2

Labcorp Genetics (formerly Invitae), Labcorp
Classification: Uncertain significance. Last evaluated: 2022-03-12. Review status: criteria provided, single submitter. Criteria: Invitae Variant Classification Sherloc (09022015). Collection method: clinical testing. Allele origin: germline.
Comment: This sequence change replaces arginine, which is basic and polar, with cysteine, which is neutral and slightly polar, at codon 1186 of the UNC80 protein (p.Arg1186Cys). This variant is present in population databases (rs757342671, gnomAD 0.009%). This missense change has been observed in individual(s) with clinical features of UNC80-related conditions (PMID: 28191889). ClinVar contains an entry for this variant (Variation ID: 1308224). Algorithms developed to predict the effect of missense changes on protein structure and function are either unavailable or do not agree on the potential impact of this missense change (SIFT: "Not Available"; PolyPhen-2: "Probably Damaging"; Align-GVGD: "Not Available"). In summary, the available evidence is currently insufficient to determine the role of this variant in disease. Therefore, it has been classified as a Variant of Uncertain Significance.

GeneDx
Classification: Uncertain significance. Last evaluated: 2019-03-28. Review status: criteria provided, single submitter. Criteria: GeneDx Variant Classification Process June 2021. Collection method: clinical testing. Allele origin: germline. Affected: yes.
Comment: In silico analysis, which includes protein predictors and evolutionary conservation, supports a deleterious effect; Has not been previously published as pathogenic or benign to our knowledge; This variant is associated with the following publications: (PMID: 28191889)

PreventionGenetics, part of Exact Sciences
Classification: Uncertain significance for UNC80-related condition. Last evaluated: 2024-05-17. Review status: no assertion criteria provided. Collection method: clinical testing. Allele origin: germline. Not counted in ClinVar's aggregate classification.
Comment: The UNC80 c.3556C>T variant is predicted to result in the amino acid substitution p.Arg1186Cys. This variant was reported in an individual with Neurodevelopmental disorder(Table S11; Stessman et al. 2017. PubMed ID: 28191889). This variant is reported in 0.0088% of alleles in individuals of South Asian descent in gnomAD. At this time, the clinical significance of this variant is uncertain due to the absence of conclusive functional and genetic evidence.

Literature cited by the submitters: PubMed 28191889 (cited by Labcorp Genetics (formerly Invitae), Labcorp).

NM_001371986.1(UNC80):c.3550C>T (p.Arg1184Cys)

Gene: UNC80 (unc-80 homolog, NALCN channel complex subunit; plus strand). Cytogenetic location: 2q34.
Variant type: single nucleotide variant.
Coding change: c.3550C>T on transcript NM_001371986.1 (MANE Select); coding-DNA position 3550, C replaced by T.
Protein change: p.Arg1184Cys; replaces arginine 1184 with cysteine.
Molecular consequence: missense variant.
Genome position (GRCh38, 1-based): chr2:209,849,546, C>T. VCF-style: chr2-209849546-C-T. GRCh37 (hg19) VCF-style: chr2-210714270-C-T.
Other names: c.3556C>T, p.Arg1186Cys (NM_032504.2); c.3541C>T, p.Arg1181Cys (NM_182587.4); short protein forms R1181C, R1184C, R1186C.
Identifiers: ClinVar variation 1308224 (VCV001308224.8), dbSNP rs757342671, ClinGen allele CA2083138.